The following is an entry in ClinVar:

ClinVar aggregate classification (germline): Uncertain significance (1 of 4 stars; one submission).

Conditions:
Congenital disorder of glycosylation, type Iaa. Also called: Congenital disorder of glycosylation, type 1aa. Identifiers: MedGen C4310727, MONDO:0014904, OMIM 617082.

Submission:

Labcorp Genetics (formerly Invitae), Labcorp
Classification: Uncertain significance for Congenital disorder of glycosylation, type Iaa. Last evaluated: 2025-09-03. Review status: criteria provided, single submitter. Criteria: Invitae Variant Classification Sherloc (09022015). Collection method: clinical testing. Allele origin: germline.
Comment: This sequence change replaces serine, which is neutral and polar, with alanine, which is neutral and non-polar, at codon 93 of the NUS1 protein (p.Ser93Ala). This variant is not present in population databases (gnomAD no frequency). This variant has not been reported in the literature in individuals affected with NUS1-related conditions. ClinVar contains an entry for this variant (Variation ID: 2880871). An algorithm developed to predict the effect of missense changes on protein structure and function outputs the following: PolyPhen-2: "Benign". The alanine amino acid residue is found in multiple mammalian species, which suggests that this missense change does not adversely affect protein function. In summary, the available evidence is currently insufficient to determine the role of this variant in disease. Therefore, it has been classified as a Variant of Uncertain Significance.

NM_138459.5(NUS1):c.277T>G (p.Ser93Ala)

Gene: NUS1 (NUS1 dehydrodolichyl diphosphate synthase subunit; plus strand). Cytogenetic location: 6q22.1.
Variant type: single nucleotide variant.
Coding change: c.277T>G on transcript NM_138459.5 (MANE Select); coding-DNA position 277, T replaced by G.
Protein change: p.Ser93Ala; replaces serine 93 with alanine.
Molecular consequence: missense variant.
Genome position (GRCh38, 1-based): chr6:117,675,947, T>G. VCF-style: chr6-117675947-T-G. GRCh37 (hg19) VCF-style: chr6-117997110-T-G.
Other names: short protein forms S93A.
Identifiers: ClinVar variation 2880871 (VCV002880871.3), dbSNP rs746969718, ClinGen allele CA365536264.